The following is an entry in ClinVar:

ClinVar aggregate classification (germline): Conflicting classifications of pathogenicity. Review status: criteria provided, conflicting classifications (1 of 4 stars). 2 submissions from 2 submitters: Likely pathogenic (1); Uncertain significance (1). Last evaluated 2025-10-23.

Conditions:
COACH syndrome 1. Identifiers: Orphanet 1454, MedGen C5435651, MONDO:0800103, OMIM 216360, MONDO:0008996.
TMEM67-related disorder. Also called: TMEM67-related condition; TMEM67-related disorders. Identifiers: MedGen CN239423.

gnomAD v4.1: 1 of 1,614,144 alleles (0.000062%); highest among the groups gnomAD compares: Non-Finnish European, 0.000085%; no homozygotes.

Submissions (2):

PreventionGenetics, part of Exact Sciences
Classification: Uncertain significance for TMEM67-related condition. Last evaluated: 2025-10-23. Review status: criteria provided, single submitter. Criteria: ACMG Guidelines, 2015. Collection method: clinical testing. Allele origin: germline.
Comment: The TMEM67 c.802T>C variant is predicted to result in the amino acid substitution p.Cys268Arg. To our knowledge, this variant has not been reported in the literature. This variant is reported in 0.00088% of alleles in individuals of European (Non-Finnish) descent in gnomAD. At this time, the clinical significance of this variant is uncertain due to the absence of conclusive functional and genetic evidence.

Genomic Medicine Center of Excellence, King Faisal Specialist Hospital and Research Centre
Classification: Likely pathogenic for COACH syndrome 1. Last evaluated: 2025-09-10. Review status: criteria provided, single submitter. Criteria: ACMG Guidelines, 2015. Collection method: clinical testing. Allele origin: germline.

NM_153704.6(TMEM67):c.802T>C (p.Cys268Arg)

Gene: TMEM67 (transmembrane protein 67; plus strand). Cytogenetic location: 8q22.1.
Variant type: single nucleotide variant.
Coding change: c.802T>C on transcript NM_153704.6 (MANE Select); coding-DNA position 802, T replaced by C.
Protein change: p.Cys268Arg; replaces cysteine 268 with arginine.
Molecular consequence: missense variant. On other transcripts: non-coding transcript variant (1).
Genome position (GRCh38, 1-based): chr8:93,780,680, T>C. VCF-style: chr8-93780680-T-C. GRCh37 (hg19) VCF-style: chr8-94792908-T-C.
Other names: c.559T>C, p.Cys187Arg (NM_001142301.1); short protein forms C187R, C268R.
Identifiers: ClinVar variation 4277586 (VCV004277586.2).